The following is an entry in ClinVar:

ClinVar aggregate classification (germline): Conflicting classifications of pathogenicity. Review status: criteria provided, conflicting classifications (1 of 4 stars). 3 submissions from 3 submitters: Uncertain significance (2); Likely benign (1). Last evaluated 2025-07-17.

Conditions:
Inborn genetic diseases. Identifiers: MedGen C0950123, MeSH D030342.
MYO15A-related disorder. Also called: MYO15A-related condition.

Allele frequency attached by ClinVar (database versions not stated): gnomAD exomes 0.00001; ExAC 0.00003; ESP Exome Variant Server 0.00008; gnomAD 0.00009; TOPMed 0.00009.
gnomAD v4.1: 25 of 1,613,768 alleles (0.0015%); highest among the groups gnomAD compares: African/African-American, 0.031%; no homozygotes.

Submissions (3):

PreventionGenetics, part of Exact Sciences
Classification: Uncertain significance for MYO15A-related condition. Last evaluated: 2025-07-17. Review status: criteria provided, single submitter. Criteria: ACMG Guidelines, 2015. Collection method: clinical testing. Allele origin: germline.
Comment: The MYO15A c.10100A>G variant is predicted to result in the amino acid substitution p.Tyr3367Cys. To our knowledge, this variant has not been reported in the literature. This variant is reported in 0.046% of alleles in individuals of African descent in gnomAD. At this time, the clinical significance of this variant is uncertain due to the absence of conclusive functional and genetic evidence.

Ambry Genetics
Classification: Uncertain significance for Inborn genetic diseases. Last evaluated: 2024-12-12. Review status: criteria provided, single submitter. Criteria: Ambry Variant Classification Scheme 2023. Collection method: clinical testing. Allele origin: germline.

Labcorp Genetics (formerly Invitae), Labcorp
Classification: Likely benign. Last evaluated: 2024-02-12. Review status: criteria provided, single submitter. Criteria: Invitae Variant Classification Sherloc (09022015). Collection method: clinical testing. Allele origin: germline.

NM_016239.4(MYO15A):c.10100A>G (p.Tyr3367Cys)

Gene: MYO15A (myosin XVA; plus strand). Cytogenetic location: 17p11.2.
Variant type: single nucleotide variant.
Coding change: c.10100A>G on transcript NM_016239.4 (MANE Select); coding-DNA position 10100, A replaced by G.
Protein change: p.Tyr3367Cys; replaces tyrosine 3367 with cysteine.
Molecular consequence: missense variant.
Genome position (GRCh38, 1-based): chr17:18,171,655, A>G. VCF-style: chr17-18171655-A-G. GRCh37 (hg19) VCF-style: chr17-18074969-A-G.
Other names: c.10100A>G (NM_016239.3); short protein forms Y3367C.
Identifiers: ClinVar variation 2975168 (VCV002975168.5), dbSNP rs372672508, ClinGen allele CA8425806.
Genomic context (GRCh38, chr17:18,171,655, plus strand): 5'-TGGGAGCTCACTCAGGACCTTTTTCCCCTTCCTCCGTACACAGGCGGGAAGTCCAGGAGT[A>G]CATCCCAGCCCAGCTCTACCGTACAACGGCAGGCTCGACCTGGCTCAACCTGGTCAGCCA-3'
Protein context (NP_057323.3, residues 3357-3377): YLPSVREVQE[Tyr3367Cys]IPAQLYRTTA